The following is an entry in ClinVar:

ClinVar aggregate classification (germline): Likely benign (1 of 4 stars; one submission).

Allele frequency attached by ClinVar (database versions not stated): 1000 Genomes Project 30x 0.00187; 1000 Genomes Project 0.00200; TOPMed 0.00203; ESP Exome Variant Server 0.00384.
gnomAD v4.1: 5,987 of 1,613,986 alleles (0.37%); highest among the groups gnomAD compares: Non-Finnish European, 0.39%; 27 homozygotes.

Submission:

CeGaT Center for Human Genetics Tuebingen
Classification: Likely benign. Last evaluated: 2023-03-01. Review status: criteria provided, single submitter. Criteria: CeGaT Center For Human Genetics Tuebingen Variant Classification Criteria Version 2. Collection method: clinical testing. Allele origin: germline. Affected: yes. Observed: 1 variant allele.
Comment: HRNR: BS2

NM_001009931.3(HRNR):c.2447G>T (p.Gly816Val)

Genes: CCDST (cervical cancer associated DHX9 suppressive transcript; plus strand), HRNR (hornerin; minus strand). Cytogenetic location: 1q21.3.
Variant type: single nucleotide variant.
Coding change: c.2447G>T on transcript NM_001009931.3 (MANE Select); coding-DNA position 2447, G replaced by T.
Protein change: p.Gly816Val; replaces glycine 816 with valine.
Molecular consequence: missense variant.
Genome position (GRCh38, 1-based): chr1:152,219,182, C>A on the plus strand (G>T on the coding strand, the complement: HRNR is on the minus strand). VCF-style: chr1-152219182-C-A. GRCh37 (hg19) VCF-style: chr1-152191658-C-A.
Other names: short protein forms G816V.
Identifiers: ClinVar variation 2639209 (VCV002639209.24), dbSNP rs142633454, ClinGen allele CA1101647.